The following is an entry in ClinVar:

NM_001001557.4(GDF6):c.648C>A (p.Asp216Glu)

Gene: GDF6 (growth differentiation factor 6; minus strand). Cytogenetic location: 8q22.1.
Variant type: single nucleotide variant.
Coding change: c.648C>A on transcript NM_001001557.4 (MANE Select); coding-DNA position 648, C replaced by A.
Protein change: p.Asp216Glu; replaces aspartic acid 216 with glutamic acid.
Molecular consequence: missense variant.
Genome position (GRCh38, 1-based): chr8:96,145,283, G>T on the plus strand (C>A on the coding strand, the complement: GDF6 is on the minus strand). VCF-style: chr8-96145283-G-T. GRCh37 (hg19) VCF-style: chr8-97157511-G-T.
Other names: short protein forms D216E.
Identifiers: ClinVar variation 2430501 (VCV002430501.1), dbSNP rs1454559961, ClinGen allele CA371752159.

ClinVar aggregate classification (germline): Uncertain significance (1 of 4 stars; one submission).

Submission:

GeneDx
Classification: Uncertain significance. Last evaluated: 2022-08-17. Review status: criteria provided, single submitter. Criteria: GeneDx Variant Classification Process June 2021. Collection method: clinical testing. Allele origin: germline. Affected: yes.
Comment: Not observed at significant frequency in large population cohorts (gnomAD); In silico analysis supports that this missense variant has a deleterious effect on protein structure/function; Has not been previously published as pathogenic or benign to our knowledge